The following is an entry in ClinVar:

ClinVar aggregate classification (germline): Conflicting classifications of pathogenicity. Review status: criteria provided, conflicting classifications (1 of 4 stars). 2 submissions from 2 submitters: Uncertain significance (1); Likely benign (1). Last evaluated 2025-08-06.

Conditions:
Aniridia 1 (AN1). Identifiers: Orphanet 250923, MedGen C0344542, MONDO:0024507, OMIM 106210.
Irido-corneo-trabecular dysgenesis (ASGD5). Also called: ANTERIOR SEGMENT DYSGENESIS 5. Identifiers: Orphanet 708, MedGen C0344559, MONDO:0011414, OMIM 604229, HP:0000659.

Allele frequency attached by ClinVar (database versions not stated): ExAC 0.00001; gnomAD 0.00003; TOPMed 0.00003; ESP Exome Variant Server 0.00008.
gnomAD v4.1: 20 of 1,586,114 alleles (0.0013%); highest among the groups gnomAD compares: East Asian, 0.0022%; no homozygotes.

Submissions (2):

Labcorp Genetics (formerly Invitae), Labcorp
Classification: Uncertain significance for Aniridia 1; Irido-corneo-trabecular dysgenesis. Last evaluated: 2025-08-06. Review status: criteria provided, single submitter. Criteria: Invitae Variant Classification Sherloc (09022015). Collection method: clinical testing. Allele origin: germline.
Comment: This sequence change falls in intron 9 of the PAX6 gene. It does not directly change the encoded amino acid sequence of the PAX6 protein. It affects a nucleotide within the consensus splice site. This variant is present in population databases (rs375134684, gnomAD 0.006%). This variant has not been reported in the literature in individuals affected with PAX6-related conditions. ClinVar contains an entry for this variant (Variation ID: 1190283). Variants that disrupt the consensus splice site are a relatively common cause of aberrant splicing (PMID: 17576681, 9536098). Algorithms developed to predict the effect of sequence changes on RNA splicing suggest that this variant is not likely to affect RNA splicing. In summary, the available evidence is currently insufficient to determine the role of this variant in disease. Therefore, it has been classified as a Variant of Uncertain Significance.

GeneDx
Classification: Likely benign. Last evaluated: 2018-08-13. Review status: criteria provided, single submitter. Criteria: GeneDx Variant Classification Process June 2021. Collection method: clinical testing. Allele origin: germline. Affected: yes.

Literature cited by the submitters: PubMed 17576681 (cited by Labcorp Genetics (formerly Invitae), Labcorp); PubMed 9536098 (cited by Labcorp Genetics (formerly Invitae), Labcorp).

NM_001368894.2(PAX6):c.807+6G>A

Gene: PAX6 (paired box 6; minus strand). Cytogenetic location: 11p13.
Variant type: single nucleotide variant.
Coding change: c.807+6G>A on transcript NM_001368894.2 (MANE Select); 6 bases into the intron after coding-DNA position 807, G replaced by A.
Molecular consequence: intron variant.
Genome position (GRCh38, 1-based): chr11:31,794,026, C>T on the plus strand (G>A on the coding strand, the complement: PAX6 is on the minus strand). VCF-style: chr11-31794026-C-T. GRCh37 (hg19) VCF-style: chr11-31815574-C-T.
Other names: c.765+6G>A (NM_001127612.3, NM_001368890.2, NM_001368888.2 and 10 more transcripts); c.606+6G>A (NM_001368921.2, NM_001368923.2, NM_001368926.2 and 4 more transcripts); c.807+6G>A (NM_001258462.3, NM_001310158.2, NM_001258463.2 and 6 more transcripts); c.882+6G>A (NM_001368919.2, NM_001368918.2); c.1008+6G>A (NM_001368910.2); c.357+6G>A (NM_001368909.2, NM_001368904.2, NM_001368905.2 and 11 more transcripts); c.810+6G>A (NM_001368911.2); c.564+6G>A (NM_001368928.2); and 2 more.
Identifiers: ClinVar variation 1190283 (VCV001190283.8), dbSNP rs375134684, ClinGen allele CA5933802.
Genomic context (GRCh38, chr11:31,794,026, plus strand): 5'-CCTCTGTCTCTAGGAAAGACAAATGGTATGAATCACAAAGTGTGAAACTGCACAGTCTCT[C>T]GGTACCTGTATTCTTGCTTCAGGTAGATCTATTTTGGCTGCTAGTCTTTCTCGGGCAAAC-3'